The following is an entry in ClinVar:

ClinVar aggregate classification (germline): Uncertain significance (0 of 4 stars; one submission).

Submission:

Department of Pathology and Laboratory Medicine, Sinai Health System
Classification: Uncertain significance. Review status: no assertion criteria provided. Collection method: clinical testing. Allele origin: unknown. Affected: yes. Study: The Canadian Open Genetics Repository (COGR).
Comment: The WNK1 p.Ala1762Thr variant was not identified in the literature nor was it identified in dbSNP, ClinVar or in the following control databases: the 1000 Genomes Project, the NHLBI GO Exome Sequencing Project, or the Genome Aggregation Database (March 6, 2019, v2.1.1). The p.Ala1762 residue is conserved in mammals but not in more distantly related organisms however computational analyses (PolyPhen-2, SIFT, AlignGVGD, BLOSUM, MutationTaster) do not suggest a high likelihood of impact to the protein; this information is not predictive enough to rule out pathogenicity. The variant occurs outside of the splicing consensus sequence and in silico or computational prediction software programs (SpliceSiteFinder, MaxEntScan, NNSPLICE, GeneSplicer) do not predict a difference in splicing. In summary, based on the above information the clinical significance of this variant cannot be determined with certainty at this time. This variant is classified as a variant of uncertain significance.

NM_018979.4(WNK1):c.4504G>A (p.Ala1502Thr)

Gene: WNK1 (WNK lysine deficient protein kinase 1; plus strand). Cytogenetic location: 12p13.33.
Variant type: single nucleotide variant.
Coding change: c.4504G>A on transcript NM_018979.4 (MANE Select); coding-DNA position 4504, G replaced by A.
Protein change: p.Ala1502Thr; replaces alanine 1502 with threonine.
Molecular consequence: missense variant.
Genome position (GRCh38, 1-based): chr12:885,308, G>A. VCF-style: chr12-885308-G-A. GRCh37 (hg19) VCF-style: chr12-994474-G-A.
Other names: c.5284G>A, p.Ala1762Thr (NM_001184985.2); c.3763G>A, p.Ala1255Thr (NM_014823.3); c.5260G>A, p.Ala1754Thr (NM_213655.5); short protein forms A1255T, A1502T, A1754T, A1762T.
Identifiers: ClinVar variation 1048925 (VCV001048925.1), dbSNP rs2154084293, ClinGen allele CA383331355.